The following is an entry in ClinVar:

NM_001271938.2(MEGF8):c.5411C>T (p.Ser1804Leu)

Gene: MEGF8 (multiple EGF like domains 8; plus strand). Cytogenetic location: 19q13.2.
Variant type: single nucleotide variant.
Coding change: c.5411C>T on transcript NM_001271938.2 (MANE Select); coding-DNA position 5411, C replaced by T.
Protein change: p.Ser1804Leu; replaces serine 1804 with leucine.
Molecular consequence: missense variant.
Genome position (GRCh38, 1-based): chr19:42,359,165, C>T. VCF-style: chr19-42359165-C-T. GRCh37 (hg19) VCF-style: chr19-42863317-C-T.
Other names: c.5210C>T, p.Ser1737Leu (NM_001410.3); short protein forms S1737L, S1804L.
Identifiers: ClinVar variation 1192856 (VCV001192856.14), dbSNP rs757227265, ClinGen allele CA9475567.

ClinVar aggregate classification (germline): Uncertain significance. Review status: criteria provided, multiple submitters, no conflicts (2 of 4 stars). 4 submissions from 4 submitters: Uncertain significance (4). Last evaluated 2025-08-19.

Conditions:
Inborn genetic diseases. Identifiers: MedGen C0950123, MeSH D030342.
MEGF8-related Carpenter syndrome. Also called: Carpenter syndrome 2. Identifiers: Orphanet 65759, MedGen C3554247, MONDO:0013998, OMIM 614976.

Allele frequency attached by ClinVar (database versions not stated): gnomAD 0.00003; gnomAD exomes 0.00003 and 0.00004; ExAC 0.00004; TOPMed 0.00006.
gnomAD v4.1: 39 of 1,601,236 alleles (0.0024%); highest among the groups gnomAD compares: Admixed American, 0.017%; no homozygotes.

Submissions (4):

Ambry Genetics
Classification: Uncertain significance for Inborn genetic diseases. Last evaluated: 2025-08-19. Review status: criteria provided, single submitter. Criteria: Ambry Variant Classification Scheme 2023. Collection method: clinical testing. Allele origin: germline.

Labcorp Genetics (formerly Invitae), Labcorp
Classification: Uncertain significance for MEGF8-related Carpenter syndrome. Last evaluated: 2022-07-19. Review status: criteria provided, single submitter. Criteria: Invitae Variant Classification Sherloc (09022015). Collection method: clinical testing. Allele origin: germline.
Comment: In summary, the available evidence is currently insufficient to determine the role of this variant in disease. Therefore, it has been classified as a Variant of Uncertain Significance. Algorithms developed to predict the effect of missense changes on protein structure and function are either unavailable or do not agree on the potential impact of this missense change (SIFT: "Deleterious"; PolyPhen-2: "Possibly Damaging"; Align-GVGD: "Class C0"). ClinVar contains an entry for this variant (Variation ID: 1192856). This variant has not been reported in the literature in individuals affected with MEGF8-related conditions. This variant is present in population databases (rs757227265, gnomAD 0.02%). This sequence change replaces serine, which is neutral and polar, with leucine, which is neutral and non-polar, at codon 1737 of the MEGF8 protein (p.Ser1737Leu).

Blueprint Genetics
Classification: Uncertain significance. Last evaluated: 2022-03-25. Review status: criteria provided, single submitter. Criteria: ACMG Guidelines, 2015. Collection method: clinical testing. Allele origin: germline.

GeneDx
Classification: Uncertain significance. Last evaluated: 2020-05-21. Review status: criteria provided, single submitter. Criteria: GeneDx Variant Classification Process June 2021. Collection method: clinical testing. Allele origin: germline. Affected: yes.
Comment: In silico analysis supports that this missense variant has a deleterious effect on protein structure/function; Has not been previously published as pathogenic or benign to our knowledge